The following is an entry in ClinVar:

ClinVar aggregate classification (germline): Uncertain significance (1 of 4 stars; one submission).

Conditions:
Long QT syndrome (LQTS). Identifiers: MedGen C0023976, MeSH D008133, MONDO:0002442. Disease mechanism: loss of function. Inheritance: Various modes of inheritance.

Submission:

Labcorp Genetics (formerly Invitae), Labcorp
Classification: Uncertain significance for Long QT syndrome. Last evaluated: 2023-12-01. Review status: criteria provided, single submitter. Criteria: Invitae Variant Classification Sherloc (09022015). Collection method: clinical testing. Allele origin: germline.
Comment: This sequence change creates a premature translational stop signal (p.Leu731Aspfs*24) in the AKAP9 gene. It is expected to result in an absent or disrupted protein product. However, the current clinical and genetic evidence is not sufficient to establish whether loss-of-function variants in AKAP9 cause disease. This variant is present in population databases (no rsID available, gnomAD 0.01%). This variant has not been reported in the literature in individuals affected with AKAP9-related conditions. In summary, the available evidence is currently insufficient to determine the role of this variant in disease. Therefore, it has been classified as a Variant of Uncertain Significance.

NM_005751.5(AKAP9):c.2191_2194del (p.Leu731fs)

Gene: AKAP9 (A-kinase anchoring protein 9; plus strand). Cytogenetic location: 7q21.2.
Variant type: Deletion.
Coding change: c.2191_2194del on transcript NM_005751.5 (MANE Select); coding-DNA positions 2191 to 2194, 4 bases deleted (CTCA; older notation c.2191_2194delCTCA).
Protein change: p.Leu731fs; shifts the reading frame from leucine 731.
Molecular consequence: frameshift variant.
Genome position (GRCh38, 1-based): chr7:92,002,108-92,002,111, CTCA deleted; deleting any 4 consecutive bases within chr7:92,002,107-92,002,111 gives the same sequence; the c. name uses the placement nearest the transcript's 3' end. VCF-style (leftmost placement, unchanged base first): chr7-92002106-TACTC-T. GRCh37 (hg19) VCF-style: chr7-91631420-TACTC-T.
Other names: c.2191_2194del, p.Leu731fs (NM_147185.3); short protein forms L731fs.
Identifiers: ClinVar variation 2893715 (VCV002893715.3), dbSNP rs1351311900, ClinGen allele CA576705433.
Genomic context (GRCh38, chr7:92,002,106, plus strand): 5'-TAAATTCAAAGTCAGAAGAAATGACTCTTCAAATCAATGAACTTCAAAAAGAAATTGAAA[TACTC>T]AGACAAGAAGAAAAAGAAAAGGGTACACTTGAACAAGAAGTTCAAGAATTACAACTTAAA-3'